The following is an entry in ClinVar:

NM_001127644.2(GABRA1):c.386A>G (p.His129Arg)

Gene: GABRA1 (gamma-aminobutyric acid type A receptor subunit alpha1; plus strand). Cytogenetic location: 5q34.
Variant type: single nucleotide variant.
Coding change: c.386A>G on transcript NM_001127644.2 (MANE Select); coding-DNA position 386, A replaced by G.
Protein change: p.His129Arg; replaces histidine 129 with arginine.
Molecular consequence: missense variant.
Genome position (GRCh38, 1-based): chr5:161,873,247, A>G. VCF-style: chr5-161873247-A-G. GRCh37 (hg19) VCF-style: chr5-161300253-A-G.
Other names: c.386A>G, p.His129Arg (NM_000806.5, NM_001127643.2, NM_001127645.2 and 1 more transcripts); short protein forms H129R.
Identifiers: ClinVar variation 4790270 (VCV004790270.2).

ClinVar aggregate classification (germline): Uncertain significance. Review status: criteria provided, multiple submitters, no conflicts (2 of 4 stars). 2 submissions from 2 submitters: Uncertain significance (2). Last evaluated 2025-12-15.

Conditions:
Epilepsy, idiopathic generalized, susceptibility to, 13. Also called: EPILEPSY, JUVENILE MYOCLONIC, SUSCEPTIBILITY TO, 5. Identifiers: Orphanet 307, Orphanet 64280, MedGen C4013473, MONDO:0012627, OMIM 611136.
Idiopathic generalized epilepsy. Also called: EIG; Generalised epilepsy. Identifiers: MedGen C0270850, MONDO:0005579, OMIM 600669.
Epilepsy, childhood absence 4 (ECA4). Also called: EPILEPSY, CHILDHOOD ABSENCE, SUSCEPTIBILITY TO, 4. Identifiers: Orphanet 307, MedGen C1970160.

gnomAD v4.1: 6 of 1,613,954 alleles (0.00037%); highest among the groups gnomAD compares: Non-Finnish European, 0.00042%; no homozygotes.

Submissions (2):

3billion
Classification: Uncertain significance for Epilepsy, idiopathic generalized, susceptibility to, 13. Last evaluated: 2025-12-15. Review status: criteria provided, single submitter. Criteria: ACMG Guidelines, 2015. Collection method: clinical testing. Allele origin: germline. Affected: yes.
Comment: The variant is observed at an extremely low frequency in the gnomAD v4.1.0 dataset (total allele frequency: <0.001%). Predicted Consequence/Location: Missense variant. Missense changes are a common disease-causing mechanism. In silico tool predictions suggest damaging effect of the variant on gene or gene product [3Cnet: 0.99 (> 0.75, sensitivity 0.96 and precision 0.92)]. Different missense changes at the same codon have been reported as of uncertain significance (ClinVar ID: VCV001504517). Therefore, this variant is classified as VUS according to the recommendation of ACMG/AMP guideline.

Labcorp Genetics (formerly Invitae), Labcorp
Classification: Uncertain significance for Epilepsy, childhood absence 4; Epilepsy, idiopathic generalized, susceptibility to, 13; Idiopathic generalized epilepsy. Last evaluated: 2025-11-06. Review status: criteria provided, single submitter. Criteria: Invitae Variant Classification Sherloc (09022015). Collection method: clinical testing. Allele origin: germline.
Comment: This sequence change replaces histidine, which is basic and polar, with arginine, which is basic and polar, at codon 129 of the GABRA1 protein (p.His129Arg). This variant is present in population databases (no rsID available, gnomAD 0.0009%). This variant has not been reported in the literature in individuals affected with GABRA1-related conditions. Invitae Evidence Modeling of protein sequence and biophysical properties (such as structural, functional, and spatial information, amino acid conservation, physicochemical variation, residue mobility, and thermodynamic stability) indicates that this missense variant is not expected to disrupt GABRA1 protein function with a negative predictive value of 80%. In summary, the available evidence is currently insufficient to determine the role of this variant in disease. Therefore, it has been classified as a Variant of Uncertain Significance.